The following is an entry in ClinVar:

NM_001042492.3(NF1):c.4917T>G (p.Tyr1639Ter)

Gene: NF1 (neurofibromin 1; plus strand). Cytogenetic location: 17q11.2.
Variant type: single nucleotide variant.
Coding change: c.4917T>G on transcript NM_001042492.3 (MANE Select); coding-DNA position 4917, T replaced by G.
Protein change: p.Tyr1639Ter; replaces tyrosine 1639 with a stop codon.
Molecular consequence: nonsense.
Genome position (GRCh38, 1-based): chr17:31,325,901, T>G. VCF-style: chr17-31325901-T-G. GRCh37 (hg19) VCF-style: chr17-29652919-T-G.
Other names: c.4854T>G, p.Tyr1618Ter (NM_000267.4); short protein forms Y1618*, Y1639*.
Identifiers: ClinVar variation 2793593 (VCV002793593.3), dbSNP rs1555533297, ClinGen allele CA399007104.

ClinVar aggregate classification (germline): Pathogenic (1 of 4 stars; one submission).

Conditions:
Neurofibromatosis, type 1 (NF1). Also called: VON RECKLINGHAUSEN DISEASE; Neurofibromatosis, type I; NEUROFIBROMATOSIS, TYPE I, SOMATIC; Peripheral type neurofibromatosis. Identifiers: Orphanet 636, MedGen C0027831, MONDO:0018975, OMIM 162200. Disease mechanism: loss of function.

Submission:

Labcorp Genetics (formerly Invitae), Labcorp
Classification: Pathogenic for Neurofibromatosis, type 1. Last evaluated: 2024-10-23. Review status: criteria provided, single submitter. Criteria: Invitae Variant Classification Sherloc (09022015). Collection method: clinical testing. Allele origin: germline.
Comment: This sequence change creates a premature translational stop signal (p.Tyr1618*) in the NF1 gene. It is expected to result in an absent or disrupted protein product. Loss-of-function variants in NF1 are known to be pathogenic (PMID: 10712197, 23913538). This variant is not present in population databases (gnomAD no frequency). This variant has not been reported in the literature in individuals affected with NF1-related conditions. For these reasons, this variant has been classified as Pathogenic.

Literature cited by the submitters: PubMed 10712197; PubMed 23913538.